The following is an entry in ClinVar:

NM_000540.3(RYR1):c.1667_1668insATCT (p.Gly558fs)

Gene: RYR1 (ryanodine receptor 1; plus strand). Cytogenetic location: 19q13.2.
Variant type: Insertion.
Coding change: c.1667_1668insATCT on transcript NM_000540.3 (MANE Select); coding-DNA positions 1667 to 1668, ATCT inserted.
Protein change: p.Gly558fs; shifts the reading frame from glycine 558.
Molecular consequence: frameshift variant.
Genome position: GRCh38 VCF-style: chr19-38455541-C-CATCT. GRCh37 (hg19) VCF-style: chr19-38946181-C-CATCT.
Other names: c.1667_1668insATCT, p.Gly558fs (NM_001042723.2); short protein forms G558fs.
Identifiers: ClinVar variation 3387654 (VCV003387654.1).

ClinVar aggregate classification (germline): Uncertain significance (1 of 4 stars; one submission).

Conditions:
Malignant hyperthermia, susceptibility to, 1 (MHS1). Also called: Anesthesia related hyperthermia; Malignant hyperpyrexia; Fulminating hyperpyrexia; Pharmacogenic myopathy; RYR1-Related Malignant Hyperthermia Susceptibility; Malignant hyperthermia suceptibility 1. Identifiers: Orphanet 423, MedGen C2930980, MONDO:0007783, OMIM 145600.

Submission:

All of Us Research Program, National Institutes of Health
Classification: Uncertain significance for Malignant hyperthermia, susceptibility to, 1. Last evaluated: 2024-03-24. Review status: criteria provided, single submitter. Criteria: ACMG Guidelines, 2015. Collection method: clinical testing. Allele origin: germline. Inheritance: Autosomal dominant inheritance. Observed: 1 variant allele, 1 heterozygote.
Comment: This variant inserts 4 nucleotides in exon 15 of the RYR1 gene, creating a frameshift and premature translation stop signal. This variant is expected to result in an absent or non-functional protein product. To our knowledge, this variant has not been reported in individuals affected with RYR1-related disorders in the literature. This variant has not been identified in the general population by the Genome Aggregation Database (gnomAD). Loss of RYR1 function due to truncation variants is not an established disease mechanism for autosomal dominant malignant hyperthermia, although it is associated with other phenotype(s). Due to insufficient evidence, this variant is classified as a Variant of Uncertain Significance for autosomal dominant malignant hyperthermia.

This study involves interpretation of variants in research participants for the purpose of population health screening. Participant phenotype was not available at the time of variant classification. Additional details can be found in publication PMID: 35346344, PMCID: PMC8962531